The following is an entry in ClinVar:

NM_001999.4(FBN2):c.1194C>A (p.Ile398=)

Gene: FBN2 (fibrillin 2; minus strand). Cytogenetic location: 5q23.3.
Variant type: single nucleotide variant.
Coding change: c.1194C>A on transcript NM_001999.4 (MANE Select); coding-DNA position 1194, C replaced by A.
Protein change: p.Ile398=; no amino-acid change (isoleucine 398 retained).
Molecular consequence: synonymous variant.
Genome position (GRCh38, 1-based): chr5:128,395,159, G>T on the plus strand (C>A on the coding strand, the complement: FBN2 is on the minus strand). VCF-style: chr5-128395159-G-T. GRCh37 (hg19) VCF-style: chr5-127730852-G-T.
Identifiers: ClinVar variation 2824584 (VCV002824584.3), dbSNP rs766004910, ClinGen allele CA446306099.
Genomic context (GRCh38, chr5:128,395,159, plus strand): 5'-GAGACTAACAGCCAGCCACGTACCAGAACCTCTGACAGGACAGGCTTCAGGAATGGTTCC[G>T]ATGCCCCAGCAGCGGCCAGGCTCACAGCAGCACTGCATTTTCGTCATTCTCCCCGGGAGC-3'
Protein context (NP_001990.2, residues 388-408): CCCEPGRCWG[Ile398=]GTIPEACPVR

ClinVar aggregate classification (germline): Uncertain significance (1 of 4 stars; one submission).

Conditions:
Congenital contractural arachnodactyly (CCA). Also called: Beals-Hecht syndrome; BEALS SYNDROME; Arthrogryposis, distal, type 9. Identifiers: Orphanet 115, MedGen C0220668, MONDO:0007363, OMIM 121050.

Submission:

Labcorp Genetics (formerly Invitae), Labcorp
Classification: Uncertain significance for Congenital contractural arachnodactyly. Last evaluated: 2022-12-27. Review status: criteria provided, single submitter. Criteria: Invitae Variant Classification Sherloc (09022015). Collection method: clinical testing. Allele origin: germline.
Comment: In summary, the available evidence is currently insufficient to determine the role of this variant in disease. Therefore, it has been classified as a Variant of Uncertain Significance. Algorithms developed to predict the effect of sequence changes on RNA splicing suggest that this variant may disrupt the consensus splice site. This variant has not been reported in the literature in individuals affected with FBN2-related conditions. This variant is not present in population databases (gnomAD no frequency). This sequence change affects codon 398 of the FBN2 mRNA. It is a 'silent' change, meaning that it does not change the encoded amino acid sequence of the FBN2 protein.